The following is an entry in ClinVar:

ClinVar aggregate classification (germline): Likely pathogenic (1 of 4 stars; one submission).

Conditions:
Familial X-linked hypophosphatemic vitamin D refractory rickets (XLHRD). Also called: HYPOPHOSPHATEMIC VITAMIN D-RESISTANT RICKETS; X-Linked Hypophosphatemia; Hypophosphatemia, vitamin D-resistant rickets; Vitamin D-resistant rickets, X-linked; Hypophosphatemic Rickets, X-Linked Dominant. Identifiers: Orphanet 89936, MedGen C0733682, MONDO:0010619, OMIM 307800.

Submission:

Juno Genomics, Hangzhou Juno Genomics, Inc
Classification: Likely pathogenic for Familial X-linked hypophosphatemic vitamin D refractory rickets. Review status: criteria provided, single submitter. Criteria: ACMG Guidelines, 2015. Collection method: clinical testing. Allele origin: germline. Affected: yes.
Comment: Absent from controls (or at extremely low frequency if recessive) in Genome Aggregation Database, Exome Sequencing Project, 1000 Genomes Project, or Exome Aggregation Consortium.;Null variant in a gene where loss of function (LOF) is a known mechanism of disease.

NM_000444.6(PHEX):c.1010del (p.Glu337fs)

Gene: PHEX (phosphate regulating endopeptidase X-linked; plus strand). Cytogenetic location: Xp22.11.
Variant type: Deletion.
Coding change: c.1010del on transcript NM_000444.6 (MANE Select); coding-DNA position 1010, one base deleted (A; older notation c.1010delA).
Protein change: p.Glu337fs; shifts the reading frame from glutamic acid 337.
Molecular consequence: frameshift variant.
Genome position (GRCh38, 1-based): chrX:22,099,082, A deleted. VCF-style (leftmost placement, unchanged base first): chrX-22099081-GA-G. GRCh37 (hg19) VCF-style: chrX-22117199-GA-G.
Other names: c.1010del, p.Glu337fs (NM_001282754.2); short protein forms E337fs.
Identifiers: ClinVar variation 3382153 (VCV003382153.2).
Genomic context (GRCh38, chrX:22,099,081, plus strand): 5'-TACATCAAGAAGGTCATTGACACCAGACTCTACCCCCATCTGAAAGACATCAGCCCCTCC[GA>G]GAATGTGGTGGTCCGCGTCCCGCAGTACTTTAAAGATTTGTTTAGGATATTAGGGTCTGA-3'